The following is an entry in ClinVar:

ClinVar aggregate classification (germline): Uncertain significance (1 of 4 stars; one submission).

gnomAD v4.1: 1 of 1,599,348 alleles (0.000063%); highest among the groups gnomAD compares: East Asian, 0.0022%; no homozygotes.

Submission:

Labcorp Genetics (formerly Invitae), Labcorp
Classification: Uncertain significance. Last evaluated: 2024-12-03. Review status: criteria provided, single submitter. Criteria: Invitae Variant Classification Sherloc (09022015). Collection method: clinical testing. Allele origin: germline.
Comment: This sequence change replaces alanine, which is neutral and non-polar, with serine, which is neutral and polar, at codon 702 of the MKL1 protein (p.Ala702Ser). The frequency data for this variant in the population databases is considered unreliable, as metrics indicate poor data quality at this position in the gnomAD database. This variant has not been reported in the literature in individuals affected with MKL1-related conditions. An algorithm developed to predict the effect of missense changes on protein structure and function outputs the following: PolyPhen-2: "Benign". The serine amino acid residue is found in multiple mammalian species, which suggests that this missense change does not adversely affect protein function. Algorithms developed to predict the effect of sequence changes on RNA splicing suggest that this variant may disrupt the consensus splice site. In summary, the available evidence is currently insufficient to determine the role of this variant in disease. Therefore, it has been classified as a Variant of Uncertain Significance.

NM_020831.6(MRTFA):c.2404G>T (p.Ala802Ser)

Gene: MRTFA (myocardin related transcription factor A; minus strand). Cytogenetic location: 22q13.1.
Variant type: single nucleotide variant.
Coding change: c.2404G>T on transcript NM_020831.6 (MANE Select); coding-DNA position 2404, G replaced by T.
Protein change: p.Ala802Ser; replaces alanine 802 with serine.
Molecular consequence: missense variant.
Genome position (GRCh38, 1-based): chr22:40,417,454, C>A on the plus strand (G>T on the coding strand, the complement: MRTFA is on the minus strand). VCF-style: chr22-40417454-C-A. GRCh37 (hg19) VCF-style: chr22-40813458-C-A.
Other names: c.2104G>T, p.Ala702Ser (NM_001282660.2); c.2254G>T, p.Ala752Ser (NM_001282661.3); c.2404G>T, p.Ala802Ser (NM_001282662.3); c.2209G>T, p.Ala737Ser (NM_001318139.2); short protein forms A702S, A752S, A802S, A737S.
Identifiers: ClinVar variation 3726503 (VCV003726503.2).
Genomic context (GRCh38, chr22:40,417,454, plus strand): 5'-TCAGCAGAGAAGTGGGGGTCCCAAAGAGGGGCTGCAGTGGGTGCTCCAGGTCCATCTGGG[C>A]AGAGGGGGCAGGCGCTGGAGAGCCAGGCTGGGACGAGGGCTGGACAGGAGAGCAGGGAGA-3'
Protein context (NP_065882.2, residues 792-812): QPGSPAPAPS[Ala802Ser]QMDLEHPLQP